The following is an entry in ClinVar:

NM_002972.4(SBF1):c.2656C>T (p.Arg886Trp)

Gene: SBF1 (SET binding factor 1; minus strand). Cytogenetic location: 22q13.33.
Variant type: single nucleotide variant.
Coding change: c.2656C>T on transcript NM_002972.4 (MANE Select); coding-DNA position 2656, C replaced by T.
Protein change: p.Arg886Trp; replaces arginine 886 with tryptophan.
Molecular consequence: missense variant.
Genome position (GRCh38, 1-based): chr22:50,461,706, G>A on the plus strand (C>T on the coding strand, the complement: SBF1 is on the minus strand). VCF-style: chr22-50461706-G-A. GRCh37 (hg19) VCF-style: chr22-50900135-G-A.
Other names: c.2659C>T, p.Arg887Trp (NM_001365819.1); short protein forms R886W, R887W.
Identifiers: ClinVar variation 1307212 (VCV001307212.4), dbSNP rs372390926, ClinGen allele CA10317100.

ClinVar aggregate classification (germline): Uncertain significance. Review status: criteria provided, multiple submitters, no conflicts (2 of 4 stars). 2 submissions from 2 submitters: Uncertain significance (2). Last evaluated 2023-11-19.

Allele frequency attached by ClinVar (database versions not stated): TOPMed 0.00004; ExAC 0.00005; gnomAD exomes 0.00005; gnomAD 0.00006 and 0.00007; ESP Exome Variant Server 0.00008; 1000 Genomes Project 30x 0.00016.
gnomAD v4.1: 94 of 1,609,524 alleles (0.0058%); highest among the groups gnomAD compares: Middle Eastern, 0.033%; no homozygotes.

Submissions (2):

Labcorp Genetics (formerly Invitae), Labcorp
Classification: Uncertain significance. Last evaluated: 2023-11-19. Review status: criteria provided, single submitter. Criteria: Invitae Variant Classification Sherloc (09022015). Collection method: clinical testing. Allele origin: germline.
Comment: This sequence change replaces arginine, which is basic and polar, with tryptophan, which is neutral and slightly polar, at codon 886 of the SBF1 protein (p.Arg886Trp). This variant is present in population databases (rs372390926, gnomAD 0.01%). This variant has not been reported in the literature in individuals affected with SBF1-related conditions. ClinVar contains an entry for this variant (Variation ID: 1307212). Advanced modeling of protein sequence and biophysical properties (such as structural, functional, and spatial information, amino acid conservation, physicochemical variation, residue mobility, and thermodynamic stability) has been performed at Invitae for this missense variant, however the output from this modeling did not meet the statistical confidence thresholds required to predict the impact of this variant on SBF1 protein function. In summary, the available evidence is currently insufficient to determine the role of this variant in disease. Therefore, it has been classified as a Variant of Uncertain Significance.

GeneDx
Classification: Uncertain significance. Last evaluated: 2019-07-30. Review status: criteria provided, single submitter. Criteria: GeneDx Variant Classification Process June 2021. Collection method: clinical testing. Allele origin: germline. Affected: yes.
Comment: Not observed at a significant frequency in large population cohorts (Lek et al., 2016); In silico analysis, which includes protein predictors and evolutionary conservation, supports a deleterious effect; Has not been previously published as pathogenic or benign to our knowledge